The following is an entry in ClinVar:

NM_001457.4(FLNB):c.607C>A (p.Gln203Lys)

Gene: FLNB (filamin B; plus strand). Cytogenetic location: 3p14.3.
Variant type: single nucleotide variant.
Coding change: c.607C>A on transcript NM_001457.4 (MANE Select); coding-DNA position 607, C replaced by A.
Protein change: p.Gln203Lys; replaces glutamine 203 with lysine.
Molecular consequence: missense variant.
Genome position (GRCh38, 1-based): chr3:58,078,782, C>A. VCF-style: chr3-58078782-C-A. GRCh37 (hg19) VCF-style: chr3-58064509-C-A.
Other names: c.607C>A, p.Gln203Lys (NM_001164317.2, NM_001164318.2, NM_001164319.2); short protein forms Q203K.
Identifiers: ClinVar variation 3349730 (VCV003349730.1).

ClinVar aggregate classification (germline): Uncertain significance (0 of 4 stars; one submission).

Conditions:
FLNB-related disorder. Also called: FLNB-related disorders; FLNB-related condition. Identifiers: MedGen CN381095.

Submission:

PreventionGenetics, part of Exact Sciences
Classification: Uncertain significance for FLNB-related condition. Last evaluated: 2024-03-14. Review status: no assertion criteria provided. Collection method: clinical testing. Allele origin: germline.
Comment: The FLNB c.607C>A variant is predicted to result in the amino acid substitution p.Gln203Lys. To our knowledge, this variant has not been reported in the literature or in a large population database, indicating this variant is rare. At this time, the clinical significance of this variant is uncertain due to the absence of conclusive functional and genetic evidence.